The following is an entry in ClinVar:

ClinVar aggregate classification (germline): Conflicting classifications of pathogenicity. Review status: criteria provided, conflicting classifications (1 of 4 stars). 6 submissions from 6 submitters: Likely pathogenic (2); Uncertain significance (3); Likely benign (1). Last evaluated 2026-03-23.

Conditions:
Hypercalcemia, infantile, 2 (HCINF2). Identifiers: Orphanet 300547, MedGen C4310473, MONDO:0014851, OMIM 616963.
Hypophosphatemic nephrolithiasis/osteoporosis 1. Identifiers: Orphanet 244305, MedGen C2676786, MONDO:0012850, OMIM 612286.
Fanconi renotubular syndrome 2 (FRTS2). Identifiers: MedGen C3150652, MONDO:0013247, OMIM 613388.
Fetal anomalies with a likely genetic cause.

Allele frequency attached by ClinVar (database versions not stated): ExAC 0.00009; gnomAD exomes 0.00009; gnomAD 0.00012 and 0.00013; TOPMed 0.00012; 1000 Genomes Project 30x 0.00016; 1000 Genomes Project 0.00020.
gnomAD v4.1: 256 of 1,612,540 alleles (0.016%); highest among the groups gnomAD compares: Non-Finnish European, 0.02%; no homozygotes.

Submissions (7):

Genetics Laboratory, Great Ormond Street Hospital NHS Foundation Trust, North Thames Genomic Laboratory Hub
Classification: Likely pathogenic for Fetal anomalies with a likely genetic cause. Last evaluated: 2026-03-23. Review status: criteria provided, single submitter. Criteria: ACGS Best Practice Guidelines for Variant Classification in Rare Disease 2024 v1.2. Collection method: clinical testing. Allele origin: germline. Affected: yes.
Comment: PM2_moderate, PVS1_strong

Labcorp Genetics (formerly Invitae), Labcorp
Classification: Likely benign. Last evaluated: 2026-01-27. Review status: criteria provided, single submitter. Criteria: Invitae Variant Classification Sherloc (09022015). Collection method: clinical testing. Allele origin: germline.

Fulgent Genetics
Classification: Uncertain significance for Hypophosphatemic nephrolithiasis/osteoporosis 1; Fanconi renotubular syndrome 2; Hypercalcemia, infantile, 2. Last evaluated: 2024-03-21. Review status: criteria provided, single submitter. Criteria: ACMG Guidelines, 2015. Collection method: clinical testing. Allele origin: germline.

Blueprint Genetics
Classification: Uncertain significance. Last evaluated: 2023-12-21. Review status: criteria provided, single submitter. Criteria: ACMG Guidelines, 2015. Collection method: clinical testing. Allele origin: germline.

Institute of Human Genetics, University of Leipzig Medical Center
Classification: Uncertain significance for Hypophosphatemic nephrolithiasis/osteoporosis 1. Last evaluated: 2023-03-07. Review status: criteria provided, single submitter. Criteria: ACMG Guidelines, 2015. Collection method: clinical testing. Allele origin: unknown. Affected: yes.
Comment: Criteria applied: PS3_SUP, PP3

Laboratory of Functional Genomics, Research Centre for Medical Genetics
Classification: Likely pathogenic for Hypercalcemia, infantile, 2. Last evaluated: 2021-08-10. Review status: criteria provided, single submitter. Criteria: ACMG Guidelines, 2015. Collection method: clinical testing, in vitro. Allele origin: maternal, not applicable. Inheritance: Autosomal recessive inheritance. Affected: yes. Observed: 1 variant allele, 1 compound heterozygote. Functional consequence: cryptic splice acceptor activation.
Comment: The c.1449G>A variant meets ACMG criteria to be classified as likely pathogenic variant (PM2, PS3, PM3). This variant is absent from large population studies. In vitro functional study indicates that the c.1449G>A variant impair SLC34A1 protein function.

Dr. Peter K. Rogan Lab, Western University
No classification provided (evidence only). Condition: Gastric cancer. Review status: no classification provided. Collection method: in vitro. Allele origin: not applicable. Functional consequence: retained intron. Not counted in ClinVar's aggregate classification.

NM_003052.5(SLC34A1):c.1449G>A (p.Ser483=)

Gene: SLC34A1 (solute carrier family 34 member 1; plus strand). Cytogenetic location: 5q35.3.
Variant type: single nucleotide variant.
Coding change: c.1449G>A on transcript NM_003052.5 (MANE Select); coding-DNA position 1449, G replaced by A.
Protein change: p.Ser483=; no amino-acid change (serine 483 retained).
Molecular consequence: synonymous variant.
Genome position (GRCh38, 1-based): chr5:177,397,815, G>A. VCF-style: chr5-177397815-G-A. GRCh37 (hg19) VCF-style: chr5-176824816-G-A.
Identifiers: ClinVar variation 1108868 (VCV001108868.18), dbSNP rs561557630, ClinGen allele CA3580803.
Genomic context (GRCh38, chr5:177,397,815, plus strand): 5'-CTCAGCCCCTCTGCCTCATCCCCTGCAGATTGCCCTCTGTCACTTCTTCTTCAACATCTC[G>A]GGTATCCTTCTGTGGTACCCGGTGCCCTGCACACGCCTGCCCATCCGCATGGCCAAGGCG-3'
Protein context (NP_003043.3, residues 473-493): IALCHFFFNI[Ser483=]GILLWYPVPC